The following is an entry in ClinVar:

ClinVar aggregate classification (germline): Pathogenic (0 of 4 stars; one submission).

Conditions:
Fanconi anemia complementation group A (FANCA). Also called: Fanconi anemia, group A; FANCA-Related Fanconi Anemia. Identifiers: Orphanet 84, MedGen C3469521, MONDO:0009215, OMIM 227650.

Submission:

Leiden Open Variation Database
Classification: Pathogenic for Fanconi anemia complementation group A. Last evaluated: 2020-02-28. Review status: no assertion criteria provided. Collection method: curation. Allele origin: germline. Affected: yes.
Comment: Curator: Arleen D. Auerbach. Submitter to LOVD: Arleen D. Auerbach.

Literature cited by the submitters: PubMed 08896563; PubMed 10094191; PubMed 12444097.

NC_000016.10:g.(89775816_89778800)_(89784965_89791402)del

Gene: FANCA (FA complementation group A; minus strand). Cytogenetic location: 16q24.3.
Variant type: Deletion.
Identifiers: ClinVar variation 974116 (VCV000974116.1).